The following is an entry in ClinVar:

ClinVar aggregate classification (germline): Likely benign (0 of 4 stars; one submission).

Conditions:
SLCO1B3-related disorder. Also called: SLCO1B3-related condition.

Allele frequency attached by ClinVar (database versions not stated): ExAC 0.00001; gnomAD exomes 0.00001; gnomAD 0.00003; TOPMed 0.00006.
gnomAD v4.1: 13 of 1,606,598 alleles (0.00081%); highest among the groups gnomAD compares: African/African-American, 0.015%; no homozygotes.

Submission:

PreventionGenetics, part of Exact Sciences
Classification: Likely benign for SLCO1B3-related condition. Last evaluated: 2023-07-10. Review status: no assertion criteria provided. Collection method: clinical testing. Allele origin: germline.
Comment: This variant is classified as likely benign based on ACMG/AMP sequence variant interpretation guidelines (Richards et al. 2015 PMID: 25741868, with internal and published modifications).

NM_019844.4(SLCO1B3):c.342A>G (p.Pro114=)

Genes: SLCO1B3 (solute carrier organic anion transporter family member 1B3; plus strand), SLCO1B3-SLCO1B7 (SLCO1B3-SLCO1B7 readthrough; plus strand). Cytogenetic location: 12p12.2.
Variant type: single nucleotide variant.
Coding change: c.342A>G on transcript NM_019844.4 (MANE Select); coding-DNA position 342, A replaced by G.
Protein change: p.Pro114=; no amino-acid change (proline 114 retained).
Molecular consequence: synonymous variant.
Genome position (GRCh38, 1-based): chr12:20,858,554, A>G. VCF-style: chr12-20858554-A-G. GRCh37 (hg19) VCF-style: chr12-21011488-A-G.
Other names: c.342A>G, p.Pro114= (NM_001371097.1); c.258A>G, p.Pro86= (NM_001349920.2).
Identifiers: ClinVar variation 3030685 (VCV003030685.2), dbSNP rs770452047, ClinGen allele CA6475137.